The following is an entry in ClinVar:

NM_001098426.2(SMARCD2):c.331A>G (p.Met111Val)

Gene: SMARCD2 (SWI/SNF related BAF chromatin remodeling complex subunit D2; minus strand). Cytogenetic location: 17q23.3.
Variant type: single nucleotide variant.
Coding change: c.331A>G on transcript NM_001098426.2 (MANE Select); coding-DNA position 331, A replaced by G.
Protein change: p.Met111Val; replaces methionine 111 with valine.
Molecular consequence: missense variant.
Genome position (GRCh38, 1-based): chr17:63,837,511, T>C on the plus strand (A>G on the coding strand, the complement: SMARCD2 is on the minus strand). VCF-style: chr17-63837511-T-C. GRCh37 (hg19) VCF-style: chr17-61914871-T-C.
Other names: c.106A>G, p.Met36Val (NM_001330439.1); c.187A>G, p.Met63Val (NM_001330440.2); short protein forms M63V, M111V, M36V.
Identifiers: ClinVar variation 1463446 (VCV001463446.7), dbSNP rs751654320, ClinGen allele CA8706525.

ClinVar aggregate classification (germline): Uncertain significance (1 of 4 stars; one submission).

Allele frequency attached by ClinVar (database versions not stated): gnomAD 0.00001 and 0.00003; gnomAD exomes 0.00001 and 0.00003; ExAC 0.00004; TOPMed 0.00004.

Submission:

Labcorp Genetics (formerly Invitae), Labcorp
Classification: Uncertain significance. Last evaluated: 2024-03-15. Review status: criteria provided, single submitter. Criteria: Invitae Variant Classification Sherloc (09022015). Collection method: clinical testing. Allele origin: germline.
Comment: This sequence change replaces methionine, which is neutral and non-polar, with valine, which is neutral and non-polar, at codon 111 of the SMARCD2 protein (p.Met111Val). This variant is present in population databases (rs751654320, gnomAD 0.009%). This variant has not been reported in the literature in individuals affected with SMARCD2-related conditions. ClinVar contains an entry for this variant (Variation ID: 1463446). Advanced modeling of protein sequence and biophysical properties (such as structural, functional, and spatial information, amino acid conservation, physicochemical variation, residue mobility, and thermodynamic stability) performed at Invitae indicates that this missense variant is not expected to disrupt SMARCD2 protein function with a negative predictive value of 80%. In summary, the available evidence is currently insufficient to determine the role of this variant in disease. Therefore, it has been classified as a Variant of Uncertain Significance.